The following is an entry in ClinVar:

ClinVar aggregate classification (germline): Pathogenic (1 of 4 stars; one submission).

Conditions:
Cystic fibrosis (CF). Also called: MUCOVISCIDOSIS. Identifiers: Orphanet 586, MedGen C0010674, MONDO:0009061, OMIM 219700. Disease mechanism: loss of function.

Submission:

Women's Health and Genetics/Laboratory Corporation of America, LabCorp
Classification: Pathogenic for Cystic fibrosis. Last evaluated: 2025-06-13. Review status: criteria provided, single submitter. Criteria: LabCorp Variant Classification Summary - May 2015. Collection method: clinical testing. Allele origin: germline.
Comment: Variant summary: CFTR c.568A>T (p.Lys190X) results in a premature termination codon, predicted to cause a truncation of the encoded protein or absence of the protein due to nonsense mediated decay, which are commonly known mechanisms for disease. The variant was absent in 250352 control chromosomes. To our knowledge, no occurrence of c.568A>T in individuals affected with Cystic Fibrosis and no experimental evidence demonstrating its impact on protein function have been reported. No submitters have cited clinical-significance assessments for this variant to ClinVar. Based on the evidence outlined above, the variant was classified as pathogenic.

NM_000492.4(CFTR):c.568A>T (p.Lys190Ter)

Gene: CFTR (CF transmembrane conductance regulator; plus strand). Cytogenetic location: 7q31.2.
Variant type: single nucleotide variant.
Coding change: c.568A>T on transcript NM_000492.4 (MANE Select); coding-DNA position 568, A replaced by T.
Protein change: p.Lys190Ter; replaces lysine 190 with a stop codon.
Molecular consequence: nonsense.
Genome position (GRCh38, 1-based): chr7:117,534,354, A>T. VCF-style: chr7-117534354-A-T. GRCh37 (hg19) VCF-style: chr7-117174408-A-T.
Other names: short protein forms K190*.
Identifiers: ClinVar variation 3907147 (VCV003907147.1).
Genomic context (GRCh38, chr7:117,534,354, plus strand): 5'-CGTGTTCTAGATAAAATAAGTATTGGACAACTTGTTAGTCTCCTTTCCAACAACCTGAAC[A>T]AATTTGATGAAGTATGTACCTATTGATTTAATCTTTTAGGCACTATTGTTATAAATTATA-3'